The following is an entry in ClinVar:

NM_021020.5(LZTS1):c.749C>T (p.Ser250Leu)

Gene: LZTS1 (leucine zipper tumor suppressor 1; minus strand). Cytogenetic location: 8p21.3.
Variant type: single nucleotide variant.
Coding change: c.749C>T on transcript NM_021020.5 (MANE Select); coding-DNA position 749, C replaced by T.
Protein change: p.Ser250Leu; replaces serine 250 with leucine.
Molecular consequence: missense variant.
Genome position (GRCh38, 1-based): chr8:20,253,182, G>A on the plus strand (C>T on the coding strand, the complement: LZTS1 is on the minus strand). VCF-style: chr8-20253182-G-A. GRCh37 (hg19) VCF-style: chr8-20110693-G-A.
Other names: c.749C>T, p.Ser250Leu (NM_001362884.2); c.749C>T (NM_021020.2); short protein forms S250L.
Identifiers: ClinVar variation 2884296 (VCV002884296.4), dbSNP rs551281629, ClinGen allele CA4657456.

ClinVar aggregate classification (germline): Uncertain significance. Review status: criteria provided, multiple submitters, no conflicts (2 of 4 stars). 2 submissions from 2 submitters: Uncertain significance (2). Last evaluated 2025-10-21.

Allele frequency attached by ClinVar (database versions not stated): gnomAD 0.00001; ExAC 0.00002; gnomAD exomes 0.00001; TOPMed 0.00003.

Submissions (2):

Labcorp Genetics (formerly Invitae), Labcorp
Classification: Uncertain significance. Last evaluated: 2025-10-21. Review status: criteria provided, single submitter. Criteria: Invitae Variant Classification Sherloc (09022015). Collection method: clinical testing. Allele origin: germline.
Comment: This sequence change replaces serine, which is neutral and polar, with leucine, which is neutral and non-polar, at codon 250 of the LZTS1 protein (p.Ser250Leu). This variant is present in population databases (rs551281629, gnomAD 0.0009%). This variant has not been reported in the literature in individuals affected with LZTS1-related conditions. ClinVar contains an entry for this variant (Variation ID: 2884296). Invitae Evidence Modeling of protein sequence and biophysical properties (such as structural, functional, and spatial information, amino acid conservation, physicochemical variation, residue mobility, and thermodynamic stability) indicates that this missense variant is not expected to disrupt LZTS1 protein function with a negative predictive value of 80%. In summary, the available evidence is currently insufficient to determine the role of this variant in disease. Therefore, it has been classified as a Variant of Uncertain Significance.

Ambry Genetics
Classification: Uncertain significance. Last evaluated: 2024-03-18. Review status: criteria provided, single submitter. Criteria: Ambry Variant Classification Scheme 2023. Collection method: clinical testing. Allele origin: germline.